The following is an entry in ClinVar:

NM_004994.3(MMP9):c.2002_2003delinsGA (p.Arg668Glu)

Genes: MMP9 (matrix metallopeptidase 9; plus strand), SLC12A5-AS1 (SLC12A5 and MMP9 antisense RNA 1; minus strand). Cytogenetic location: 20q13.12.
Variant type: Indel.
Coding change: c.2002_2003delinsGA on transcript NM_004994.3 (MANE Select); coding-DNA positions 2002 to 2003, CG replaced by GA.
Protein change: p.Arg668Glu; replaces arginine 668 with glutamic acid.
Molecular consequence: missense variant. On other transcripts: non-coding transcript variant (1).
Genome position (GRCh38, 1-based): chr20:46,014,471-46,014,472, CG replaced by GA. VCF-style: chr20-46014471-CG-GA. GRCh37 (hg19) VCF-style: chr20-44643110-CG-GA.
Other names: short protein forms R668E.
Identifiers: ClinVar variation 4752768 (VCV004752768.1).

ClinVar aggregate classification (germline): Uncertain significance (1 of 4 stars; one submission).

Submission:

Labcorp Genetics (formerly Invitae), Labcorp
Classification: Uncertain significance. Last evaluated: 2025-08-21. Review status: criteria provided, single submitter. Criteria: Invitae Variant Classification Sherloc (09022015). Collection method: clinical testing. Allele origin: germline.
Comment: This sequence change replaces arginine, which is basic and polar, with glutamic acid, which is acidic and polar, at codon 668 of the MMP9 protein (p.Arg668Glu). This variant is present in population databases (no rsID available, gnomAD 0.005%). This variant has not been reported in the literature in individuals affected with MMP9-related conditions. An algorithm developed to predict the effect of missense changes on protein structure and function (PolyPhen-2) suggests that this variant is likely to be tolerated. In summary, the available evidence is currently insufficient to determine the role of this variant in disease. Therefore, it has been classified as a Variant of Uncertain Significance.